The following is an entry in ClinVar:

NM_002470.4(MYH3):c.4648G>T (p.Ala1550Ser)

Gene: MYH3 (myosin heavy chain 3; minus strand). Cytogenetic location: 17p13.1.
Variant type: single nucleotide variant.
Coding change: c.4648G>T on transcript NM_002470.4 (MANE Select); coding-DNA position 4648, G replaced by T.
Protein change: p.Ala1550Ser; replaces alanine 1550 with serine.
Molecular consequence: missense variant.
Genome position (GRCh38, 1-based): chr17:10,632,784, C>A on the plus strand (G>T on the coding strand, the complement: MYH3 is on the minus strand). VCF-style: chr17-10632784-C-A. GRCh37 (hg19) VCF-style: chr17-10536101-C-A.
Other names: short protein forms A1550S.
Identifiers: ClinVar variation 2201690 (VCV002201690.4), dbSNP rs747352754, ClinGen allele CA8392152.

ClinVar aggregate classification (germline): Uncertain significance (1 of 4 stars; one submission).

Allele frequency attached by ClinVar (database versions not stated): ExAC 0.00002.
gnomAD v4.1: 7 of 1,614,178 alleles (0.00043%); highest among the groups gnomAD compares: Non-Finnish European, 0.00059%; no homozygotes.

Submission:

Labcorp Genetics (formerly Invitae), Labcorp
Classification: Uncertain significance. Last evaluated: 2025-08-18. Review status: criteria provided, single submitter. Criteria: Invitae Variant Classification Sherloc (09022015). Collection method: clinical testing. Allele origin: germline.
Comment: This sequence change replaces alanine, which is neutral and non-polar, with serine, which is neutral and polar, at codon 1550 of the MYH3 protein (p.Ala1550Ser). This variant is present in population databases (rs747352754, gnomAD 0.002%). This variant has not been reported in the literature in individuals affected with MYH3-related conditions. ClinVar contains an entry for this variant (Variation ID: 2201690). An algorithm developed to predict the effect of missense changes on protein structure and function (PolyPhen-2) suggests that this variant is likely to be disruptive. In summary, the available evidence is currently insufficient to determine the role of this variant in disease. Therefore, it has been classified as a Variant of Uncertain Significance.